The following is an entry in ClinVar:

NM_002392.6(MDM2):c.65C>G (p.Thr22Ser)

Genes: MDM2 (MDM2 proto-oncogene; plus strand), LOC126861563 (CDK7 strongly-dependent group 2 enhancer GRCh37_chr12:69202246-69203445; plus strand). Cytogenetic location: 12q15.
Variant type: single nucleotide variant.
Coding change: c.65C>G on transcript NM_002392.6 (MANE Select); coding-DNA position 65, C replaced by G.
Protein change: p.Thr22Ser; replaces threonine 22 with serine.
Molecular consequence: missense variant.
Genome position (GRCh38, 1-based): chr12:68,809,258, C>G. VCF-style: chr12-68809258-C-G. GRCh37 (hg19) VCF-style: chr12-69203038-C-G.
Other names: c.47C>G, p.Thr16Ser (NM_001145337.3, NM_001145340.3, NM_001278462.2 and 1 more transcripts); c.65C>G, p.Thr22Ser (NM_001145339.2); short protein forms T16S, T22S.
Identifiers: ClinVar variation 4742991 (VCV004742991.1).
Genomic context (GRCh38, chr12:68,809,258, plus strand): 5'-TTCCTTGTAGGCAAATGTGCAATACCAACATGTCTGTACCTACTGATGGTGCTGTAACCA[C>G]CTCACAGATTCCAGCTTCGGAACAAGAGACCCTGGTTAGTATTTTTGTCTCGTGTAACTT-3'
Protein context (NP_002383.2, residues 12-32): MSVPTDGAVT[Thr22Ser]SQIPASEQET

ClinVar aggregate classification (germline): Uncertain significance (1 of 4 stars; one submission).

Conditions:
Accelerated tumor formation, susceptibility to (ACTFS). Identifiers: MedGen C3280690, OMIM 614401, MONDO:0013733.

Submission:

Labcorp Genetics (formerly Invitae), Labcorp
Classification: Uncertain significance for Accelerated tumor formation, susceptibility to. Last evaluated: 2025-05-01. Review status: criteria provided, single submitter. Criteria: Invitae Variant Classification Sherloc (09022015). Collection method: clinical testing. Allele origin: germline.
Comment: This sequence change replaces threonine, which is neutral and polar, with serine, which is neutral and polar, at codon 22 of the MDM2 protein (p.Thr22Ser). This variant is not present in population databases (gnomAD no frequency). This variant has not been reported in the literature in individuals affected with MDM2-related conditions. An algorithm developed to predict the effect of missense changes on protein structure and function (PolyPhen-2) suggests that this variant is likely to be disruptive. In summary, the available evidence is currently insufficient to determine the role of this variant in disease. Therefore, it has been classified as a Variant of Uncertain Significance.